The following is an entry in ClinVar:

ClinVar aggregate classification (germline): Uncertain significance (1 of 4 stars; one submission).

Submission:

Labcorp Genetics (formerly Invitae), Labcorp
Classification: Uncertain significance. Last evaluated: 2022-09-13. Review status: criteria provided, single submitter. Criteria: Invitae Variant Classification Sherloc (09022015). Collection method: clinical testing. Allele origin: germline.
Comment: In summary, the available evidence is currently insufficient to determine the role of this variant in disease. Therefore, it has been classified as a Variant of Uncertain Significance. This sequence change replaces threonine, which is neutral and polar, with serine, which is neutral and polar, at codon 2407 of the NSD1 protein (p.Thr2407Ser). Advanced modeling of protein sequence and biophysical properties (such as structural, functional, and spatial information, amino acid conservation, physicochemical variation, residue mobility, and thermodynamic stability) performed at Invitae indicates that this missense variant is not expected to disrupt NSD1 protein function. This variant has not been reported in the literature in individuals affected with NSD1-related conditions. This variant is not present in population databases (gnomAD no frequency).

NM_022455.5(NSD1):c.7220C>G (p.Thr2407Ser)

Gene: NSD1 (nuclear receptor binding SET domain protein 1; plus strand). Cytogenetic location: 5q35.3.
Variant type: single nucleotide variant.
Coding change: c.7220C>G on transcript NM_022455.5 (MANE Select); coding-DNA position 7220, C replaced by G.
Protein change: p.Thr2407Ser; replaces threonine 2407 with serine.
Molecular consequence: missense variant.
Genome position (GRCh38, 1-based): chr5:177,294,588, C>G. VCF-style: chr5-177294588-C-G. GRCh37 (hg19) VCF-style: chr5-176721589-C-G.
Other names: c.6347C>G, p.Thr2116Ser (NM_001365684.2, NM_001409308.1, NM_172349.5); c.7220C>G, p.Thr2407Ser (NM_001409301.1, NM_001409302.1, NM_001409303.1); c.6800C>G, p.Thr2267Ser (NM_001409304.1); c.6467C>G, p.Thr2156Ser (NM_001409305.1); c.6458C>G, p.Thr2153Ser (NM_001409306.1, NM_001409307.1); c.6098C>G, p.Thr2033Ser (NM_001409309.1); short protein forms T2033S, T2138S, T2153S, T2407S, T2116S, T2156S, T2267S.
Identifiers: ClinVar variation 1920427 (VCV001920427.5), dbSNP rs1267257970, ClinGen allele CA362328930.